The following is an entry in ClinVar:

ClinVar aggregate classification (germline): Uncertain significance (1 of 4 stars; one submission).

Conditions:
Familial temporal lobe epilepsy 7. Identifiers: Orphanet 101046, MedGen C4225327, MONDO:0014639, OMIM 616436.
Norman-Roberts syndrome (LIS2). Also called: Lissencephaly 2 (Norman-Roberts type). Identifiers: Orphanet 89844, MedGen C0796089, MONDO:0009760, OMIM 257320.

Allele frequency attached by ClinVar (database versions not stated): gnomAD exomes below 0.00001.
gnomAD v4.1: 1 of 1,614,122 alleles (0.000062%); highest among the groups gnomAD compares: East Asian, 0.0022%; no homozygotes.

Submission:

Labcorp Genetics (formerly Invitae), Labcorp
Classification: Uncertain significance for Familial temporal lobe epilepsy 7; Norman-Roberts syndrome. Last evaluated: 2025-05-19. Review status: criteria provided, single submitter. Criteria: Invitae Variant Classification Sherloc (09022015). Collection method: clinical testing. Allele origin: germline.
Comment: This sequence change replaces glutamine, which is neutral and polar, with arginine, which is basic and polar, at codon 180 of the RELN protein (p.Gln180Arg). This variant is present in population databases (no rsID available, gnomAD 0.006%). This variant has not been reported in the literature in individuals affected with RELN-related conditions. ClinVar contains an entry for this variant (Variation ID: 1925739). Invitae Evidence Modeling of protein sequence and biophysical properties (such as structural, functional, and spatial information, amino acid conservation, physicochemical variation, residue mobility, and thermodynamic stability) indicates that this missense variant is not expected to disrupt RELN protein function with a negative predictive value of 80%. In summary, the available evidence is currently insufficient to determine the role of this variant in disease. Therefore, it has been classified as a Variant of Uncertain Significance.

NM_005045.4(RELN):c.539A>G (p.Gln180Arg)

Gene: RELN (reelin; minus strand). Cytogenetic location: 7q22.1.
Variant type: single nucleotide variant.
Coding change: c.539A>G on transcript NM_005045.4 (MANE Select); coding-DNA position 539, A replaced by G.
Protein change: p.Gln180Arg; replaces glutamine 180 with arginine.
Molecular consequence: missense variant.
Genome position (GRCh38, 1-based): chr7:103,776,562, T>C on the plus strand (A>G on the coding strand, the complement: RELN is on the minus strand). VCF-style: chr7-103776562-T-C. GRCh37 (hg19) VCF-style: chr7-103417009-T-C.
Other names: c.539A>G, p.Gln180Arg (NM_173054.3); short protein forms Q180R.
Identifiers: ClinVar variation 1925739 (VCV001925739.5), dbSNP rs1431837294, ClinGen allele CA368930482.
Genomic context (GRCh38, chr7:103,776,562, plus strand): 5'-GGACCTACCATGAATAGTTTGGACATAACACAAACAAATCAAATGTGACGCTTACCTCCT[T>C]GTTCACACAACTGCTGGGCTAAAGCATCTTTGAAAATAACCTGGCCCCGGTGTGTTGCTG-3'
Protein context (NP_005036.2, residues 170-190): KDALAQQLCE[Gln180Arg]GAPTDVTVHP